The following is an entry in ClinVar:

ClinVar aggregate classification (germline): Uncertain significance. Review status: criteria provided, multiple submitters, no conflicts (2 of 4 stars). 2 submissions from 2 submitters: Uncertain significance (2). Last evaluated 2025-08-01.

Conditions:
Inborn genetic diseases. Identifiers: MedGen C0950123, MeSH D030342.

gnomAD v4.1: 33 of 1,614,186 alleles (0.002%); highest among the groups gnomAD compares: Non-Finnish European, 0.0027%; no homozygotes.

Submissions (2):

CeGaT Center for Human Genetics Tuebingen
Classification: Uncertain significance. Last evaluated: 2025-08-01. Review status: criteria provided, single submitter. Criteria: CeGaT Center For Human Genetics Tuebingen Variant Classification Criteria Version 2. Collection method: clinical testing. Allele origin: germline. Affected: yes. Observed: 1 variant allele.
Comment: FBXO7: PM2, BP4

Ambry Genetics
Classification: Uncertain significance for Inborn genetic diseases. Last evaluated: 2025-04-13. Review status: criteria provided, single submitter. Criteria: Ambry Variant Classification Scheme 2023. Collection method: clinical testing. Allele origin: germline.

NM_012179.4(FBXO7):c.715A>G (p.Met239Val)

Gene: FBXO7 (F-box protein 7; plus strand). Cytogenetic location: 22q12.3.
Variant type: single nucleotide variant.
Coding change: c.715A>G on transcript NM_012179.4 (MANE Select); coding-DNA position 715, A replaced by G.
Protein change: p.Met239Val; replaces methionine 239 with valine.
Molecular consequence: missense variant.
Genome position (GRCh38, 1-based): chr22:32,485,137, A>G. VCF-style: chr22-32485137-A-G. GRCh37 (hg19) VCF-style: chr22-32881124-A-G.
Other names: c.478A>G, p.Met160Val (NM_001033024.2); c.373A>G, p.Met125Val (NM_001257990.2); short protein forms M160V, M125V, M239V.
Identifiers: ClinVar variation 4023947 (VCV004023947.9).
Genomic context (GRCh38, chr22:32,485,137, plus strand): 5'-GCCAAAGCACTGTCCATGCCGGAGAAGTGGAAGTTGAGCGGGGTGTATAAGCTGCAGTAC[A>G]TGCATCCTCTCTGCGAGGGCAGCTCCGCTACTCTCACCTGTGTGCCTTTGGGAAACCTGA-3'
Protein context (NP_036311.3, residues 229-249): KLSGVYKLQY[Met239Val]HPLCEGSSAT